The following is an entry in ClinVar:

ClinVar aggregate classification (germline): Likely benign (1 of 4 stars; one submission).

Allele frequency attached by ClinVar (database versions not stated): gnomAD 0.00001; gnomAD exomes 0.00003; TOPMed 0.00004; ExAC 0.00008.
gnomAD v4.1: 40 of 1,209,845 alleles (0.0033%); highest among the groups gnomAD compares: East Asian, 0.11%; no homozygotes.

Submission:

CeGaT Center for Human Genetics Tuebingen
Classification: Likely benign. Last evaluated: 2024-02-01. Review status: criteria provided, single submitter. Criteria: CeGaT Center For Human Genetics Tuebingen Variant Classification Criteria Version 2. Collection method: clinical testing. Allele origin: germline. Affected: yes. Observed: 1 variant allele.
Comment: F8: BP4, BP7, BS2

NM_000132.4(F8):c.6663C>A (p.Thr2221=)

Gene: F8 (coagulation factor VIII; minus strand). Cytogenetic location: Xq28.
Variant type: single nucleotide variant.
Coding change: c.6663C>A on transcript NM_000132.4 (MANE Select); coding-DNA position 6663, C replaced by A.
Protein change: p.Thr2221=; no amino-acid change (threonine 2221 retained).
Molecular consequence: synonymous variant.
Genome position (GRCh38, 1-based): chrX:154,861,778, G>T on the plus strand (C>A on the coding strand, the complement: F8 is on the minus strand). VCF-style: chrX-154861778-G-T. GRCh37 (hg19) VCF-style: chrX-154090053-G-T.
Other names: c.258C>A, p.Thr86= (NM_019863.3).
Identifiers: ClinVar variation 3027135 (VCV003027135.22), dbSNP rs375400068, ClinGen allele CA10567778.